The following is an entry in ClinVar:

NM_001384732.1(CPLANE1):c.7234-5T>G

Gene: CPLANE1 (ciliogenesis and planar polarity effector complex subunit 1; minus strand). Cytogenetic location: 5p13.2.
Variant type: single nucleotide variant.
Coding change: c.7234-5T>G on transcript NM_001384732.1 (MANE Select); 5 bases into the intron before coding-DNA position 7234, T replaced by G.
Molecular consequence: intron variant.
Genome position (GRCh38, 1-based): chr5:37,167,218, A>C on the plus strand (T>G on the coding strand, the complement: CPLANE1 is on the minus strand). VCF-style: chr5-37167218-A-C. GRCh37 (hg19) VCF-style: chr5-37167320-A-C.
Other names: c.7234-5T>G (NM_023073.4).
Identifiers: ClinVar variation 1378890 (VCV001378890.6), dbSNP rs371345017, ClinGen allele CA3238113.

ClinVar aggregate classification (germline): Uncertain significance. Review status: criteria provided, multiple submitters, no conflicts (2 of 4 stars). 2 submissions from 2 submitters: Uncertain significance (2). Last evaluated 2024-11-13.

Allele frequency attached by ClinVar (database versions not stated): ExAC 0.00003; ESP Exome Variant Server 0.00008; gnomAD 0.00008; TOPMed 0.00008; 1000 Genomes Project 30x 0.00031; 1000 Genomes Project 0.00040.
gnomAD v4.1: 30 of 1,601,212 alleles (0.0019%); highest among the groups gnomAD compares: African/African-American, 0.035%; no homozygotes.

Submissions (2):

Blueprint Genetics
Classification: Uncertain significance. Last evaluated: 2024-11-13. Review status: criteria provided, single submitter. Criteria: ACMG Guidelines, 2015. Collection method: clinical testing. Allele origin: germline.

Labcorp Genetics (formerly Invitae), Labcorp
Classification: Uncertain significance. Last evaluated: 2022-10-24. Review status: criteria provided, single submitter. Criteria: Invitae Variant Classification Sherloc (09022015). Collection method: clinical testing. Allele origin: germline.
Comment: This sequence change falls in intron 34 of the CPLANE1 gene. It does not directly change the encoded amino acid sequence of the CPLANE1 protein. This variant is present in population databases (rs371345017, gnomAD 0.03%). This variant has not been reported in the literature in individuals affected with CPLANE1-related conditions. ClinVar contains an entry for this variant (Variation ID: 1378890). Algorithms developed to predict the effect of sequence changes on RNA splicing suggest that this variant may disrupt the consensus splice site. In summary, the available evidence is currently insufficient to determine the role of this variant in disease. Therefore, it has been classified as a Variant of Uncertain Significance.